The following is an entry in ClinVar:

NM_015450.3(POT1):c.1221A>C (p.Lys407Asn)

Gene: POT1 (protection of telomeres 1; minus strand). Cytogenetic location: 7q31.33.
Variant type: single nucleotide variant.
Coding change: c.1221A>C on transcript NM_015450.3 (MANE Select); coding-DNA position 1221, A replaced by C.
Protein change: p.Lys407Asn; replaces lysine 407 with asparagine.
Molecular consequence: missense variant. On other transcripts: non-coding transcript variant (3).
Genome position (GRCh38, 1-based): chr7:124,841,121, T>G on the plus strand (A>C on the coding strand, the complement: POT1 is on the minus strand). VCF-style: chr7-124841121-T-G. GRCh37 (hg19) VCF-style: chr7-124481175-T-G.
Other names: c.828A>C, p.Lys276Asn (NM_001042594.2); short protein forms K276N, K407N.
Identifiers: ClinVar variation 1480706 (VCV001480706.8), dbSNP rs2116461913, ClinGen allele CA369067564.

ClinVar aggregate classification (germline): Uncertain significance (1 of 4 stars; one submission).

Conditions:
Tumor predisposition syndrome 3 (TPDS3). Also called: Melanoma, cutaneous malignant, susceptibility to, 10; LONG TELOMERE SYNDROME, POT1-RELATED; POT1 Tumor Predisposition; Glioma susceptibility 9. Identifiers: Orphanet 618, MedGen C4014476, MONDO:0014368, OMIM 615848.

Submission:

Labcorp Genetics (formerly Invitae), Labcorp
Classification: Uncertain significance for Tumor predisposition syndrome 3. Last evaluated: 2021-04-09. Review status: criteria provided, single submitter. Criteria: Invitae Variant Classification Sherloc (09022015). Collection method: clinical testing. Allele origin: germline.
Comment: In summary, the available evidence is currently insufficient to determine the role of this variant in disease. Therefore, it has been classified as a Variant of Uncertain Significance. Algorithms developed to predict the effect of missense changes on protein structure and function output the following: SIFT: "Tolerated"; PolyPhen-2: "Benign"; Align-GVGD: "Class C0". The asparagine amino acid residue is found in multiple mammalian species, suggesting that this missense change does not adversely affect protein function. These predictions have not been confirmed by published functional studies and their clinical significance is uncertain. This variant has not been reported in the literature in individuals with POT1-related conditions. This variant is not present in population databases (ExAC no frequency). This sequence change replaces lysine with asparagine at codon 407 of the POT1 protein (p.Lys407Asn). The lysine residue is moderately conserved and there is a moderate physicochemical difference between lysine and asparagine.